The following is an entry in ClinVar:

NM_000520.6(HEXA):c.459+2del

Gene: HEXA (hexosaminidase subunit alpha; minus strand). Cytogenetic location: 15q23.
Variant type: Deletion.
Coding change: c.459+2del on transcript NM_000520.6 (MANE Select); the canonical splice donor site of the intron after coding-DNA position 459, one base deleted (T; older notation c.459+2delT).
Molecular consequence: splice donor variant.
Genome position (GRCh38, 1-based): chr15:72,353,689, A deleted on the plus strand (T on the coding strand, the reverse complement: HEXA is on the minus strand). VCF-style (leftmost placement, unchanged base first): chr15-72353688-TA-T. GRCh37 (hg19) VCF-style: chr15-72646029-TA-T.
Other names: c.492+2del (NM_001318825.2).
Identifiers: ClinVar variation 5004183 (VCV005004183.1).
Genomic context (GRCh38, chr15:72,353,688, plus strand): 5'-TCTCAATATTGGGATCCAACCCCAGAGATGAAAAAGGAGCCCTTTTTGAGGGTCCACACT[TA>T]CTGTGCCCTCAGCAGATTTCCAAACAAGCTGGCTAAAAGTCTCCAGACCTAGGAAGATGT-3'

ClinVar aggregate classification (germline): Likely pathogenic (1 of 4 stars; one submission).

Conditions:
Tay-Sachs disease (TSD). Also called: GM2 gangliosidosis, type 1; Hexosaminidase alpha-subunit deficiency (variant B); Sphingolipidosis, Tay-Sachs; HEXA DEFICIENCY; HEXA Disorders; Hexosaminidase A Deficiency. Identifiers: Orphanet 845, MedGen C0039373, MONDO:0010100, OMIM 272800.

Submission:

Myriad Genetics, Inc.
Classification: Likely pathogenic for Tay-Sachs disease. Last evaluated: 2025-09-24. Review status: criteria provided, single submitter. Criteria: Myriad Autosomal Dominant, Autosomal Recessive and X-Linked Classification Criteria (2023). Collection method: clinical testing. Allele origin: unknown.
Comment: NM_000520.4(HEXA):c.459+2delT is a variant in a canonical splice site classified as likely pathogenic in the context of hexosaminidase A deficiency. c.459+2delT has not been observed in cases with relevant disease. Relevant functional assessments of this variant are not available in the literature. c.459+2delT has not been observed in referenced population frequency databases. In summary, NM_000520.4(HEXA):c.459+2delT is a variant in a canonical splice site in a gene where loss of function is a known mechanism of disease and is predicted to disrupt protein function. Please note: this variant was assessed in the context of healthy population screening.